The following is an entry in ClinVar:

NM_001089.3(ABCA3):c.4444C>T (p.Arg1482Trp)

Gene: ABCA3 (ATP binding cassette subfamily A member 3; minus strand). Cytogenetic location: 16p13.3.
Variant type: single nucleotide variant.
Coding change: c.4444C>T on transcript NM_001089.3 (MANE Select); coding-DNA position 4444, C replaced by T.
Protein change: p.Arg1482Trp; replaces arginine 1482 with tryptophan.
Molecular consequence: missense variant.
Genome position (GRCh38, 1-based): chr16:2,279,046, G>A on the plus strand (C>T on the coding strand, the complement: ABCA3 is on the minus strand). VCF-style: chr16-2279046-G-A. GRCh37 (hg19) VCF-style: chr16-2329047-G-A.
Other names: short protein forms R1482W.
Identifiers: ClinVar variation 3375130 (VCV003375130.1).

ClinVar aggregate classification (germline): Uncertain significance (1 of 4 stars; one submission).

gnomAD v4.1: 8 of 1,613,396 alleles (0.0005%); highest among the groups gnomAD compares: Non-Finnish European, 0.00059%; no homozygotes.

Submission:

Women's Health and Genetics/Laboratory Corporation of America, LabCorp
Classification: Uncertain significance. Last evaluated: 2024-09-03. Review status: criteria provided, single submitter. Criteria: LabCorp Variant Classification Summary - May 2015. Collection method: clinical testing. Allele origin: germline.
Comment: Variant summary: ABCA3 c.4444C>T (p.Arg1482Trp) results in a non-conservative amino acid change located in the ABC transporter-like, ATP-binding domain (IPR003439) of the encoded protein sequence. Five of five in-silico tools predict a damaging effect of the variant on protein function. The variant was absent in 251006 control chromosomes. The available data on variant occurrences in the general population are insufficient to allow any conclusion about variant significance. c.4444C>T has been reported in the literature in individuals affected with pulmonary disease (e.g. Manali_2019, Wambach_2014, Somaschini_207, Citti_2013). These data do not allow any conclusion about variant significance. To our knowledge, no experimental evidence demonstrating an impact on protein function has been reported. The following publications have been ascertained in the context of this evaluation (PMID: 24047351, 31360696, 17517255, 24871971). No submitters have cited clinical-significance assessments for this variant to ClinVar. Based on the evidence outlined above, the variant was classified as uncertain significance.

Literature cited by the submitters: PubMed 17517255; PubMed 24871971; PubMed 24047351; PubMed 31360696.